The following is an entry in ClinVar:

NM_005751.5(AKAP9):c.5131_5132delinsTT (p.Asp1711Phe)

Gene: AKAP9 (A-kinase anchoring protein 9; plus strand). Cytogenetic location: 7q21.2.
Variant type: Indel.
Coding change: c.5131_5132delinsTT on transcript NM_005751.5 (MANE Select); coding-DNA positions 5131 to 5132, GA replaced by TT.
Protein change: p.Asp1711Phe; replaces aspartic acid 1711 with phenylalanine.
Molecular consequence: missense variant.
Genome position (GRCh38, 1-based): chr7:92,042,740-92,042,741, GA replaced by TT. VCF-style: chr7-92042740-GA-TT. GRCh37 (hg19) VCF-style: chr7-91672054-GA-TT.
Other names: c.5131_5132delinsTT, p.Asp1711Phe (NM_147185.3); short protein forms D1711F.
Identifiers: ClinVar variation 1427112 (VCV001427112.6), dbSNP rs2130785629, ClinGen allele CA2573142396.

ClinVar aggregate classification (germline): Uncertain significance (1 of 4 stars; one submission).

Conditions:
Long QT syndrome (LQTS). Identifiers: MedGen C0023976, MeSH D008133, MONDO:0002442. Disease mechanism: loss of function. Inheritance: Various modes of inheritance.

Submission:

Labcorp Genetics (formerly Invitae), Labcorp
Classification: Uncertain significance for Long QT syndrome. Last evaluated: 2025-12-08. Review status: criteria provided, single submitter. Criteria: Invitae Variant Classification Sherloc (09022015). Collection method: clinical testing. Allele origin: germline.
Comment: This sequence change replaces aspartic acid, which is acidic and polar, with phenylalanine, which is neutral and non-polar, at codon 1711 of the AKAP9 protein (p.Asp1711Phe). Information on the frequency of this variant in the gnomAD database is not available, as this variant may be reported differently in the database. This variant has not been reported in the literature in individuals affected with AKAP9-related conditions. ClinVar contains an entry for this variant (Variation ID: 1427112). An algorithm developed to predict the effect of missense changes on protein structure and function (PolyPhen-2) suggests that this variant is likely to be tolerated. In summary, the available evidence is currently insufficient to determine the role of this variant in disease. Therefore, it has been classified as a Variant of Uncertain Significance.